The following is an entry in ClinVar:

ClinVar aggregate classification (germline): Pathogenic/Likely pathogenic. Review status: criteria provided, multiple submitters, no conflicts (2 of 4 stars). 3 submissions from 3 submitters: Pathogenic (2); Likely pathogenic (1). Last evaluated 2023-01-18.

Conditions:
Developmental and epileptic encephalopathy, 42 (DEE42A). Also called: Epileptic encephalopathy, early infantile, 42; DEVELOPMENTAL AND EPILEPTIC ENCEPHALOPATHY 42A; EPILEPTIC ENCEPHALOPATHY, EARLY INFANTILE, 42A. Identifiers: MedGen C4310716, MONDO:0014917, OMIM 617106.
Episodic ataxia type 2 (EA2). Also called: ACETAZOLAMIDE-RESPONSIVE HEREDITARY PAROXYSMAL CEREBELLAR ATAXIA; ATAXIA, EPISODIC, WITH NYSTAGMUS; ATAXIA, FAMILIAL PAROXYSMAL; CEREBELLAR ATAXIA, PAROXYSMAL, ACETAZOLAMIDE-RESPONSIVE; CEREBELLOPATHY, HEREDITARY PAROXYSMAL; EPISODIC ATAXIA, NYSTAGMUS-ASSOCIATED. Identifiers: Orphanet 97, MedGen C1720416, MONDO:0007163, OMIM 108500.

Submissions (3):

Labcorp Genetics (formerly Invitae), Labcorp
Classification: Pathogenic for Developmental and epileptic encephalopathy, 42; Episodic ataxia type 2. Last evaluated: 2023-01-18. Review status: criteria provided, single submitter. Criteria: Invitae Variant Classification Sherloc (09022015). Collection method: clinical testing. Allele origin: germline.
Comment: This variant is not present in population databases (gnomAD no frequency). This sequence change creates a premature translational stop signal (p.Tyr596*) in the CACNA1A gene. It is expected to result in an absent or disrupted protein product. Loss-of-function variants in CACNA1A are known to be pathogenic (PMID: 10371528, 19486177, 25735478, 27250579). This variant has not been reported in the literature in individuals affected with CACNA1A-related conditions. ClinVar contains an entry for this variant (Variation ID: 994806). Algorithms developed to predict the effect of sequence changes on RNA splicing suggest that this variant may create or strengthen a splice site. For these reasons, this variant has been classified as Pathogenic.

HudsonAlpha Institute for Biotechnology
Classification: Likely pathogenic for Episodic ataxia type 2. Last evaluated: 2022-10-11. Review status: criteria provided, single submitter. Criteria: ACMG Guidelines, 2015. Collection method: research. Allele origin: maternal. Affected: yes. Observed: 1 variant allele. Study: CSER-HudsonAlpha.

Athena Diagnostics
Classification: Pathogenic. Last evaluated: 2020-04-08. Review status: criteria provided, single submitter. Criteria: Athena Diagnostics Criteria. Collection method: clinical testing. Allele origin: unknown.
Comment: The variant creates a premature nonsense codon, and is therefore predicted to result in the loss of a functional protein. Found in at least one patient with expected phenotype for this gene, and not found in general population data.

Literature cited by the submitters: PubMed 10371528 (cited by Labcorp Genetics (formerly Invitae), Labcorp); PubMed 19486177 (cited by Labcorp Genetics (formerly Invitae), Labcorp); PubMed 25735478 (cited by Labcorp Genetics (formerly Invitae), Labcorp); PubMed 27250579 (cited by Labcorp Genetics (formerly Invitae), Labcorp).

NM_001127222.2(CACNA1A):c.1785C>G (p.Tyr595Ter)

Gene: CACNA1A (calcium voltage-gated channel subunit alpha1 A; minus strand). Cytogenetic location: 19p13.13.
Variant type: single nucleotide variant.
Coding change: c.1785C>G on transcript NM_001127222.2 (MANE Select); coding-DNA position 1785, C replaced by G.
Protein change: p.Tyr595Ter; replaces tyrosine 595 with a stop codon.
Molecular consequence: nonsense.
Genome position (GRCh38, 1-based): chr19:13,308,248, G>C on the plus strand (C>G on the coding strand, the complement: CACNA1A is on the minus strand). VCF-style: chr19-13308248-G-C. GRCh37 (hg19) VCF-style: chr19-13419062-G-C.
Other names: c.1788C>G, p.Tyr596Ter (NM_000068.4, NM_001127221.2, NM_001174080.2 and 1 more transcripts); c.1788C>G (NM_001127221.1); short protein forms Y595*, Y596*.
Identifiers: ClinVar variation 994806 (VCV000994806.7), dbSNP rs2057948502, ClinGen allele CA404344990.